The following is an entry in ClinVar:

ClinVar aggregate classification (germline): Pathogenic (1 of 4 stars; one submission).

Submission:

Labcorp Genetics (formerly Invitae), Labcorp
Classification: Pathogenic. Last evaluated: 2025-01-27. Review status: criteria provided, single submitter. Criteria: Invitae Variant Classification Sherloc (09022015). Collection method: clinical testing. Allele origin: germline.
Comment: This sequence change creates a premature translational stop signal (p.Gln348Serfs*57) in the NFIA gene. It is expected to result in an absent or disrupted protein product. Loss-of-function variants in NFIA are known to be pathogenic (PMID: 27081522, 31730271). This variant is not present in population databases (gnomAD no frequency). This variant has not been reported in the literature in individuals affected with NFIA-related conditions. For these reasons, this variant has been classified as Pathogenic.

Literature cited by the submitters: PubMed 27081522; PubMed 31730271.

NM_001134673.4(NFIA):c.1042_1046del (p.Gln348fs)

Gene: NFIA (nuclear factor I A; plus strand). Cytogenetic location: 1p31.3.
Variant type: Deletion.
Coding change: c.1042_1046del on transcript NM_001134673.4 (MANE Select); coding-DNA positions 1042 to 1046, 5 bases deleted (CAGCA; older notation c.1042_1046delCAGCA).
Protein change: p.Gln348fs; shifts the reading frame from glutamine 348.
Molecular consequence: frameshift variant.
Genome position (GRCh38, 1-based): chr1:61,383,332-61,383,336, CAGCA deleted; deleting any 5 consecutive bases within chr1:61,383,330-61,383,336 gives the same sequence; the c. name uses the placement nearest the transcript's 3' end. VCF-style (leftmost placement, unchanged base first): chr1-61383329-ACACAG-A. GRCh37 (hg19) VCF-style: chr1-61849001-ACACAG-A.
Other names: c.1018_1022del, p.Gln340fs (NM_001145511.2); c.1177_1181del, p.Gln393fs (NM_001145512.2); c.1042_1046del, p.Gln348fs (NM_005595.5); short protein forms Q340fs, Q393fs, Q348fs.
Identifiers: ClinVar variation 3648140 (VCV003648140.2).